The following continues an entry in ClinVar:

NM_000038.6(APC):c.2805C>A (p.Tyr935Ter)

Gene: APC. ClinVar aggregate classification (germline): Pathogenic. Pathogenic (16). ClinVar aggregate classification (oncogenicity): Oncogenic.

Submissions 11 to 22 of 22:

GeneDx
Classification: Pathogenic. Last evaluated: 2023-03-10. Review status: criteria provided, single submitter. Criteria: GeneDx Variant Classification Process June 2021. Collection method: clinical testing. Allele origin: germline. Affected: yes.
Comment: Nonsense variant predicted to result in protein truncation or nonsense mediated decay in a gene for which loss of function is a known mechanism of disease; Observed in multiple unrelated patients with Familial Adenomatous Polyposis (FAP) referred for genetic testing at GeneDx and in published literature (Fodde et al., 1992; Won et al., 1999; Aceto et al., 2005; Kim et al., 2005; Agatea et al., 2015; Simbolo et al., 2015; Khan et al., 2017); Not observed at significant frequency in large population cohorts (gnomAD); This variant is associated with the following publications: (PMID: 26917275, 16134147, 1324223, 26300997, 28533537, 27978560, 29753700, 18199528, 16292097, 35189564, 35142982, 26792031, 10083733, 16088911)

Color Diagnostics, LLC DBA Color Health
Classification: Pathogenic for Hereditary cancer-predisposing syndrome. Last evaluated: 2020-04-20. Review status: criteria provided, single submitter. Criteria: ACMG Guidelines, 2015. Collection method: clinical testing. Allele origin: germline.
Comment: This variant changes 1 nucleotide in exon 16 of the APC gene, creating a premature translation stop signal. This variant is expected to result in an absent or non-functional protein product. To our knowledge, functional studies have not been reported for this variant. This variant has been reported in multiple families and individuals affected with colorectal polyposis and cancer (PMID: 1324223, 8381579, 10083733, 10094547, 10713886, 11748858, 12173026, 15024739, 16088911, 17411426, 19444466, 20685668, 20924072). This variant also has been reported in individuals affected with osteoma (PMID: 19444466) and hepatoblastoma (PMID: 16317745). This variant has not been identified in the general population by the Genome Aggregation Database (gnomAD). Loss of APC function is a known mechanism of disease. Based on the available evidence, this variant is classified as Pathogenic.

Fulgent Genetics
Classification: Pathogenic for Colorectal cancer; Hepatocellular carcinoma; Desmoid disease, hereditary; Familial adenomatous polyposis 1; Gastric cancer. Last evaluated: 2018-10-31. Review status: criteria provided, single submitter. Criteria: ACMG Guidelines, 2015. Collection method: clinical testing. Allele origin: unknown.

Clinical Genetics and Genomics, Karolinska University Hospital
Classification: Pathogenic. Last evaluated: 2016-01-14. Review status: criteria provided, single submitter. Criteria: ACMG Guidelines, 2015. Collection method: clinical testing. Allele origin: germline. Affected: yes. Observed: 1 variant allele.

University of Washington Department of Laboratory Medicine, University of Washington
Classification: Pathogenic for Colorectal cancer, susceptibility to. Last evaluated: 2015-11-20. Review status: criteria provided, single submitter. Criteria: Shirts et al. (Genet Med 2016). Collection method: clinical testing. Allele origin: germline. Affected: yes. Observed: 1 variant allele.

Laboratory for Molecular Medicine, Mass General Brigham Personalized Medicine
Classification: Pathogenic for Familial multiple polyposis syndrome. Last evaluated: 2014-01-27. Review status: criteria provided, single submitter. Criteria: LMM Criteria. Collection method: clinical testing. Allele origin: germline. Inheritance: Autosomal dominant inheritance. Observed: 2 variant alleles.
Comment: The Tyr935X variant in APC has been reported in >20 individuals with FAP, segreg ated with disease in at least 12 affected family members (see references), and w as absent from large population studies (rs137854575). This nonsense variant le ads to a premature termination codon at position 935, which is predicted to lead to a truncated or absent protein. Heterozygous loss of function of the APC gene is an established disease mechanism in individuals with FAP. In summary, this v ariant meets our criteria to be classified as pathogenic (. org/LMM) based upon segregation studies and absence from controls.

University of Science and Technology Houari Boumediene, Laboratory of Molecular and Cellular Biology (LBCM)
Classification: Pathogenic for Familial adenomatous polyposis 1. Review status: criteria provided, single submitter. Criteria: ACMG Guidelines, 2015. Collection method: clinical testing. Allele origin: germline. Inheritance: Autosomal dominant inheritance. Affected: yes. Observed: 1 heterozygote.

OMIM
Classification: Pathogenic for FAMILIAL ADENOMATOUS POLYPOSIS 1. Last evaluated: 1992-08-01. Review status: no assertion criteria provided. Collection method: literature only. Allele origin: germline. Not counted in ClinVar's aggregate classification.

Department of Pathology and Laboratory Medicine, Sinai Health System
Classification: Uncertain significance. Review status: no assertion criteria provided. Collection method: clinical testing. Allele origin: unknown. Affected: yes. Observed: 1 variant allele. Study: The Canadian Open Genetics Repository (COGR). Not counted in ClinVar's aggregate classification.

Diagnostic Laboratory, Department of Genetics, University Medical Center Groningen
Classification: Pathogenic. Review status: no assertion criteria provided. Collection method: clinical testing. Allele origin: germline. Affected: yes. Study: VKGL Data-share Consensus. Not counted in ClinVar's aggregate classification.

Joint Genome Diagnostic Labs from Nijmegen and Maastricht, Radboudumc and MUMC+
Classification: Pathogenic. Review status: no assertion criteria provided. Collection method: clinical testing. Allele origin: germline. Affected: yes. Study: VKGL Data-share Consensus. Not counted in ClinVar's aggregate classification.

Mayo Clinic Laboratories, Mayo Clinic
Classification: Pathogenic. Review status: no assertion criteria provided. Collection method: research. Allele origin: unknown. Observed: 1 variant allele. Not counted in ClinVar's aggregate classification.

Literature cited by the submitters: PubMed 34352208 (cited by Center for Genomic Medicine, Rigshospitalet, Copenhagen University Hospital); PubMed 1324223 (cited by 3 submitters); PubMed 1944466 (cited by Labcorp Genetics (formerly Invitae), Labcorp); PubMed 8381579 (cited by Labcorp Genetics (formerly Invitae), Labcorp and Laboratory for Molecular Medicine, Mass General Brigham Personalized Medicine); PubMed 8990002 (cited by 3 submitters); PubMed 10083733 (cited by Labcorp Genetics (formerly Invitae), Labcorp and Laboratory for Molecular Medicine, Mass General Brigham Personalized Medicine); PubMed 10094547 (cited by Labcorp Genetics (formerly Invitae), Labcorp); PubMed 10713886 (cited by Labcorp Genetics (formerly Invitae), Labcorp and Laboratory for Molecular Medicine, Mass General Brigham Personalized Medicine); PubMed 11748858 (cited by Labcorp Genetics (formerly Invitae), Labcorp); PubMed 11933206 (cited by Labcorp Genetics (formerly Invitae), Labcorp and Women's Health and Genetics/Laboratory Corporation of America, LabCorp); PubMed 12173026 (cited by 3 submitters); PubMed 15024739 (cited by Labcorp Genetics (formerly Invitae), Labcorp and Laboratory for Molecular Medicine, Mass General Brigham Personalized Medicine); PubMed 15108288 (cited by Labcorp Genetics (formerly Invitae), Labcorp); PubMed 16088911 (cited by 4 submitters); PubMed 16317745 (cited by Labcorp Genetics (formerly Invitae), Labcorp); PubMed 17411426 (cited by Labcorp Genetics (formerly Invitae), Labcorp and Laboratory for Molecular Medicine, Mass General Brigham Personalized Medicine); PubMed 19793053 (cited by Labcorp Genetics (formerly Invitae), Labcorp and Laboratory for Molecular Medicine, Mass General Brigham Personalized Medicine); PubMed 20685668 (cited by Labcorp Genetics (formerly Invitae), Labcorp and GeneKor MSA); PubMed 20924072 (cited by 4 submitters); PubMed 26300997 (cited by 3 submitters); PubMed 15311282 (cited by Labcorp Genetics (formerly Invitae), Labcorp); PubMed 17293347 (cited by Labcorp Genetics (formerly Invitae), Labcorp); PubMed 9824584 (cited by Labcorp Genetics (formerly Invitae), Labcorp); PubMed 1316610 (cited by Labcorp Genetics (formerly Invitae), Labcorp); PubMed 27081525 (cited by Labcorp Genetics (formerly Invitae), Labcorp); PubMed 22135120 (cited by Labcorp Genetics (formerly Invitae), Labcorp); PubMed 17963004 (cited by GeneKor MSA); PubMed 20223039 (cited by GeneKor MSA and Ambry Genetics); PubMed 18433509 (cited by GeneKor MSA and Ambry Genetics); PubMed 16134147 (cited by Women's Health and Genetics/Laboratory Corporation of America, LabCorp and Laboratory for Molecular Medicine, Mass General Brigham Personalized Medicine); PubMed 36586069 (cited by Quest Diagnostics Nichols Institute San Juan Capistrano); PubMed 33352971 (cited by Quest Diagnostics Nichols Institute San Juan Capistrano); PubMed 27978560 (cited by Quest Diagnostics Nichols Institute San Juan Capistrano); PubMed 35142982 (cited by Quest Diagnostics Nichols Institute San Juan Capistrano and University of Science and Technology Houari Boumediene, Laboratory of Molecular and Cellular Biology (LBCM)); PubMed 23970361 (cited by Quest Diagnostics Nichols Institute San Juan Capistrano); PubMed 19444466 (cited by Laboratory for Molecular Medicine, Mass General Brigham Personalized Medicine); PubMed 15300853 (cited by Laboratory for Molecular Medicine, Mass General Brigham Personalized Medicine); PubMed 16292097 (cited by Laboratory for Molecular Medicine, Mass General Brigham Personalized Medicine); PubMed 17785554 (cited by Laboratory for Molecular Medicine, Mass General Brigham Personalized Medicine); PubMed 15951963 (cited by Laboratory for Molecular Medicine, Mass General Brigham Personalized Medicine); PubMed 19029688 (cited by Laboratory for Molecular Medicine, Mass General Brigham Personalized Medicine).